The following is an entry in ClinVar:

NM_001792.5(CDH2):c.1028A>C (p.Gln343Pro)

Gene: CDH2 (cadherin 2; minus strand). Cytogenetic location: 18q12.1.
Variant type: single nucleotide variant.
Coding change: c.1028A>C on transcript NM_001792.5 (MANE Select); coding-DNA position 1028, A replaced by C.
Protein change: p.Gln343Pro; replaces glutamine 343 with proline.
Molecular consequence: missense variant.
Genome position (GRCh38, 1-based): chr18:27,993,630, T>G on the plus strand (A>C on the coding strand, the complement: CDH2 is on the minus strand). VCF-style: chr18-27993630-T-G. GRCh37 (hg19) VCF-style: chr18-25573594-T-G.
Other names: c.935A>C, p.Gln312Pro (NM_001308176.2); short protein forms Q312P, Q343P.
Identifiers: ClinVar variation 2565605 (VCV002565605.4), dbSNP rs376933549, ClinGen allele CA297687554.

ClinVar aggregate classification (germline): Uncertain significance. Review status: criteria provided, multiple submitters, no conflicts (2 of 4 stars). 2 submissions from 2 submitters: Uncertain significance (2). Last evaluated 2025-11-24.

Conditions:
Inborn genetic diseases. Identifiers: MedGen C0950123, MeSH D030342.

Allele frequency attached by ClinVar (database versions not stated): gnomAD exomes 0.00001.
gnomAD v4.1: 8 of 1,609,628 alleles (0.0005%); highest among the groups gnomAD compares: Non-Finnish European, 0.00068%; no homozygotes.

Submissions (2):

Labcorp Genetics (formerly Invitae), Labcorp
Classification: Uncertain significance. Last evaluated: 2025-11-24. Review status: criteria provided, single submitter. Criteria: Invitae Variant Classification Sherloc (09022015). Collection method: clinical testing. Allele origin: germline.
Comment: This sequence change replaces glutamine, which is neutral and polar, with proline, which is neutral and non-polar, at codon 343 of the CDH2 protein (p.Gln343Pro). This variant is present in population databases (no rsID available, gnomAD 0.0009%). This variant has not been reported in the literature in individuals affected with CDH2-related conditions. ClinVar contains an entry for this variant (Variation ID: 2565605). An algorithm developed to predict the effect of missense changes on protein structure and function (PolyPhen-2) suggests that this variant is likely to be tolerated. In summary, the available evidence is currently insufficient to determine the role of this variant in disease. Therefore, it has been classified as a Variant of Uncertain Significance.

Ambry Genetics
Classification: Uncertain significance for Inborn genetic diseases. Last evaluated: 2025-10-01. Review status: criteria provided, single submitter. Criteria: Ambry Variant Classification Scheme 2023. Collection method: clinical testing. Allele origin: germline.
Comment: The p.Q343P variant (also known as c.1028A>C), located in coding exon 8 of the CDH2 gene, results from an A to C substitution at nucleotide position 1028. The glutamine at codon 343 is replaced by proline, an amino acid with similar properties. This amino acid position is conserved. In addition, this alteration is predicted to be tolerated by in silico analysis. Since supporting evidence is limited at this time, the clinical significance of this alteration remains unclear.